The following is an entry in ClinVar:

ClinVar aggregate classification (germline): Conflicting classifications of pathogenicity. Review status: criteria provided, conflicting classifications (1 of 4 stars). 6 submissions from 6 submitters: Uncertain significance (4); Likely benign (1). 1 of the submissions does not count toward it. Last evaluated 2026-03-20.

Conditions:
FH-related disorder. Also called: FH-related condition; FH-related disorders.
Hereditary cancer-predisposing syndrome. Also called: Neoplastic Syndromes, Hereditary; Tumor predisposition; Hereditary Cancer Syndrome; Hereditary neoplastic syndrome. Identifiers: Orphanet 140162, MedGen C0027672, MeSH D009386, MONDO:0015356.
Fumarase deficiency (FMRD). Also called: Fumaric aciduria; Fumarate Hydratase Deficiency. Identifiers: Orphanet 24, MedGen C0342770, MONDO:0011730, OMIM 606812.

Allele frequency attached by ClinVar (database versions not stated): gnomAD 0.00001; TOPMed 0.00002.
gnomAD v4.1: 13 of 1,613,552 alleles (0.00081%); highest among the groups gnomAD compares: Non-Finnish European, 0.0011%; no homozygotes.

Submissions (6):

PreventionGenetics, part of Exact Sciences
Classification: Uncertain significance for FH-related condition. Last evaluated: 2026-03-20. Review status: criteria provided, single submitter. Criteria: ACMG Guidelines, 2015. Collection method: clinical testing. Allele origin: germline.
Comment: The FH c.1433A>G variant is predicted to result in the amino acid substitution p.Asn478Ser. To our knowledge, this variant has not been reported in the literature. This variant is reported in 0.0027% of alleles in individuals of European (Non-Finnish) descent in gnomAD. This variant has conflicting interpretations in ClinVar ranging from uncertain to likely benign (Variation ID: 405918). At this time, the clinical significance of this variant is uncertain due to the absence of conclusive functional and genetic evidence.

Labcorp Genetics (formerly Invitae), Labcorp
Classification: Uncertain significance. Last evaluated: 2026-01-11. Review status: criteria provided, single submitter. Criteria: Invitae Variant Classification Sherloc (09022015). Collection method: clinical testing. Allele origin: germline.
Comment: This sequence change replaces asparagine, which is neutral and polar, with serine, which is neutral and polar, at codon 478 of the FH protein (p.Asn478Ser). This variant is present in population databases (rs201886827, gnomAD 0.002%). This variant has not been reported in the literature in individuals affected with FH-related conditions. ClinVar contains an entry for this variant (Variation ID: 405918). Invitae Evidence Modeling of protein sequence and biophysical properties (such as structural, functional, and spatial information, amino acid conservation, physicochemical variation, residue mobility, and thermodynamic stability) has been performed for this missense variant. However, the output from this modeling did not meet the statistical confidence thresholds required to predict the impact of this variant on FH protein function. In summary, the available evidence is currently insufficient to determine the role of this variant in disease. Therefore, it has been classified as a Variant of Uncertain Significance.

GeneDx
Classification: Uncertain significance. Last evaluated: 2023-09-12. Review status: criteria provided, single submitter. Criteria: GeneDx Variant Classification Process June 2021. Collection method: clinical testing. Allele origin: germline. Affected: yes.
Comment: Not observed at significant frequency in large population cohorts (gnomAD); In silico analysis supports that this missense variant does not alter protein structure/function; Has not been previously published as pathogenic or benign to our knowledge

Baylor Genetics
Classification: Uncertain significance for Fumarase deficiency. Last evaluated: 2023-08-02. Review status: criteria provided, single submitter. Criteria: ACMG Guidelines, 2015. Collection method: clinical testing. Allele origin: unknown.

Ambry Genetics
Classification: Likely benign for Hereditary cancer-predisposing syndrome. Last evaluated: 2022-04-21. Review status: criteria provided, single submitter. Criteria: Ambry Variant Classification Scheme 2023. Collection method: clinical testing. Allele origin: germline.

Natera, Inc.
Classification: Uncertain significance for Fumarase Deficiency. Last evaluated: 2019-10-28. Review status: no assertion criteria provided. Collection method: clinical testing. Allele origin: germline. Not counted in ClinVar's aggregate classification.

NM_000143.4(FH):c.1433A>G (p.Asn478Ser)

Gene: FH (fumarate hydratase; minus strand). Cytogenetic location: 1q43.
Variant type: single nucleotide variant.
Coding change: c.1433A>G on transcript NM_000143.4 (MANE Select); coding-DNA position 1433, A replaced by G.
Protein change: p.Asn478Ser; replaces asparagine 478 with serine.
Molecular consequence: missense variant.
Genome position (GRCh38, 1-based): chr1:241,497,928, T>C on the plus strand (A>G on the coding strand, the complement: FH is on the minus strand). VCF-style: chr1-241497928-T-C. GRCh37 (hg19) VCF-style: chr1-241661228-T-C.
Other names: short protein forms N478S.
Identifiers: ClinVar variation 405918 (VCV000405918.23), dbSNP rs201886827, ClinGen allele CA1478439.
Genomic context (GRCh38, chr1:241,497,928, plus strand): 5'-TCAAACTGCTCTGCTGTGAGATAGCCAAGTTCGATAGCAGTTTCCTTTAAGGTTGATCCA[T>C]TTTTGTGTGCTGTCTTAGCAATCTTTGCTGCCTTGTCATACCCTGAAGAAAAAATAAAAA-3'
Protein context (NP_000134.2, residues 468-488): AAKIAKTAHK[Asn478Ser]GSTLKETAIE